The following is an entry in ClinVar:

ClinVar aggregate classification (germline): Uncertain significance (1 of 4 stars; one submission).

Conditions:
Myofibrillar myopathy 5. Also called: Filaminopathy (type); FILAMINOPATHY, AUTOSOMAL DOMINANT. Identifiers: Orphanet 171445, MedGen C1836050, MONDO:0012289, OMIM 609524.
Hypertrophic cardiomyopathy 26. Also called: Cardiomyopathy, familial hypertrophic, 26. Identifiers: Orphanet 75249, MedGen C4310749, MONDO:0014883, OMIM 617047.
Distal myopathy with posterior leg and anterior hand involvement. Also called: WILLIAMS DISTAL MYOPATHY. Identifiers: Orphanet 63273, MedGen C3279722, MONDO:0013550, OMIM 614065.

Allele frequency attached by ClinVar (database versions not stated): gnomAD exomes below 0.00001.
gnomAD v4.1: 4 of 1,605,992 alleles (0.00025%); highest among the groups gnomAD compares: Non-Finnish European, 0.00034%; no homozygotes.

Submission:

Labcorp Genetics (formerly Invitae), Labcorp
Classification: Uncertain significance for Distal myopathy with posterior leg and anterior hand involvement; Myofibrillar myopathy 5; Hypertrophic cardiomyopathy 26. Last evaluated: 2024-01-13. Review status: criteria provided, single submitter. Criteria: Invitae Variant Classification Sherloc (09022015). Collection method: clinical testing. Allele origin: germline.
Comment: This sequence change replaces aspartic acid, which is acidic and polar, with alanine, which is neutral and non-polar, at codon 1521 of the FLNC protein (p.Asp1521Ala). This variant is not present in population databases (gnomAD no frequency). This variant has not been reported in the literature in individuals affected with FLNC-related conditions. Advanced modeling of protein sequence and biophysical properties (such as structural, functional, and spatial information, amino acid conservation, physicochemical variation, residue mobility, and thermodynamic stability) has been performed at Invitae for this missense variant, however the output from this modeling did not meet the statistical confidence thresholds required to predict the impact of this variant on FLNC protein function. In summary, the available evidence is currently insufficient to determine the role of this variant in disease. Therefore, it has been classified as a Variant of Uncertain Significance.

NM_001458.5(FLNC):c.4562A>C (p.Asp1521Ala)

Gene: FLNC (filamin C; plus strand). Cytogenetic location: 7q32.1.
Variant type: single nucleotide variant.
Coding change: c.4562A>C on transcript NM_001458.5 (MANE Select); coding-DNA position 4562, A replaced by C.
Protein change: p.Asp1521Ala; replaces aspartic acid 1521 with alanine.
Molecular consequence: missense variant.
Genome position (GRCh38, 1-based): chr7:128,848,050, A>C. VCF-style: chr7-128848050-A-C. GRCh37 (hg19) VCF-style: chr7-128488104-A-C.
Other names: c.4562A>C, p.Asp1521Ala (NM_001127487.2); short protein forms D1521A.
Identifiers: ClinVar variation 2945658 (VCV002945658.3), dbSNP rs2536646667, ClinGen allele CA369202017.